The following is an entry in ClinVar:

ClinVar aggregate classification (germline): Conflicting classifications of pathogenicity. Review status: criteria provided, conflicting classifications (1 of 4 stars). 4 submissions from 4 submitters: Uncertain significance (1); Benign (2); Likely benign (1). Last evaluated 2026-01-23.

Conditions:
COG7 congenital disorder of glycosylation (CDG2E). Also called: CDG IIe; CONGENITAL DISORDER OF GLYCOSYLATION, TYPE IIe. Identifiers: Orphanet 79333, MedGen C2931010, MONDO:0012118, OMIM 608779.
COG7-related disorder. Also called: COG7-related condition.

Allele frequency attached by ClinVar (database versions not stated): gnomAD exomes 0.00010 and 0.00030; ExAC 0.00041; gnomAD 0.00078; TOPMed 0.00095; ESP Exome Variant Server 0.00100; 1000 Genomes Project 30x 0.00219; 1000 Genomes Project 0.00240.
gnomAD v4.1: 269 of 1,613,898 alleles (0.017%); highest among the groups gnomAD compares: African/African-American, 0.32%; no homozygotes.

Submissions (4):

Labcorp Genetics (formerly Invitae), Labcorp
Classification: Benign for COG7 congenital disorder of glycosylation. Last evaluated: 2026-01-23. Review status: criteria provided, single submitter. Criteria: Invitae Variant Classification Sherloc (09022015). Collection method: clinical testing. Allele origin: germline.

PreventionGenetics, part of Exact Sciences
Classification: Benign for COG7-related condition. Last evaluated: 2025-12-20. Review status: criteria provided, single submitter. Criteria: ACMG Guidelines, 2015. Collection method: clinical testing. Allele origin: germline.
Comment: This variant is classified as benign based on ACMG/AMP sequence variant interpretation guidelines (Richards et al. 2015 PMID: 25741868, with internal and published modifications).

Blueprint Genetics
Classification: Likely benign. Last evaluated: 2023-10-02. Review status: criteria provided, single submitter. Criteria: ACMG Guidelines, 2015. Collection method: clinical testing. Allele origin: germline.

Illumina Laboratory Services, Illumina
Classification: Uncertain significance for COG7 congenital disorder of glycosylation. Last evaluated: 2018-01-13. Review status: criteria provided, single submitter. Criteria: ICSL Variant Classification Criteria 13 December 2019. Collection method: clinical testing. Allele origin: germline.

NM_153603.4(COG7):c.1113C>T (p.Leu371=)

Gene: COG7 (component of oligomeric golgi complex 7; minus strand). Cytogenetic location: 16p12.2.
Variant type: single nucleotide variant.
Coding change: c.1113C>T on transcript NM_153603.4 (MANE Select); coding-DNA position 1113, C replaced by T.
Protein change: p.Leu371=; no amino-acid change (leucine 371 retained).
Molecular consequence: synonymous variant.
Genome position (GRCh38, 1-based): chr16:23,418,724, G>A on the plus strand (C>T on the coding strand, the complement: COG7 is on the minus strand). VCF-style: chr16-23418724-G-A. GRCh37 (hg19) VCF-style: chr16-23430045-G-A.
Identifiers: ClinVar variation 697694 (VCV000697694.16), dbSNP rs114661874, ClinGen allele CA7961085.